The following is an entry in ClinVar:

NM_000629.3(IFNAR1):c.1370C>T (p.Ala457Val)

Gene: IFNAR1 (interferon alpha and beta receptor subunit 1; plus strand). Cytogenetic location: 21q22.11.
Variant type: single nucleotide variant.
Coding change: c.1370C>T on transcript NM_000629.3 (MANE Select); coding-DNA position 1370, C replaced by T.
Protein change: p.Ala457Val; replaces alanine 457 with valine.
Molecular consequence: missense variant. On other transcripts: intron variant (1).
Genome position (GRCh38, 1-based): chr21:33,353,713, C>T. VCF-style: chr21-33353713-C-T. GRCh37 (hg19) VCF-style: chr21-34726019-C-T.
Other names: c.1370C>T (NM_000629.2); c.1370C>T, p.Ala457Val (NM_001384498.1, NM_001384503.1); c.608C>T, p.Ala203Val (NM_001384500.1); c.1355C>T, p.Ala452Val (NM_001384501.1); c.908C>T, p.Ala303Val (NM_001384502.1); c.1163C>T, p.Ala388Val (NM_001384504.1); c.1294+805C>T (NM_001384499.1); short protein forms A303V, A457V, A203V, A388V, A452V.
Identifiers: ClinVar variation 2142353 (VCV002142353.3), dbSNP rs200796146, ClinGen allele CA10006739.

ClinVar aggregate classification (germline): Conflicting classifications of pathogenicity. Review status: criteria provided, conflicting classifications (1 of 4 stars). 2 submissions from 2 submitters: Uncertain significance (1); Likely benign (1). Last evaluated 2025-02-24.

Allele frequency attached by ClinVar (database versions not stated): TOPMed 0.00006; ESP Exome Variant Server 0.00008; gnomAD 0.00008.
gnomAD v4.1: 150 of 1,591,922 alleles (0.0094%); highest among the groups gnomAD compares: Non-Finnish European, 0.012%; no homozygotes.

Submissions (2):

Labcorp Genetics (formerly Invitae), Labcorp
Classification: Uncertain significance. Last evaluated: 2025-02-24. Review status: criteria provided, single submitter. Criteria: Invitae Variant Classification Sherloc (09022015). Collection method: clinical testing. Allele origin: germline.
Comment: This sequence change replaces alanine, which is neutral and non-polar, with valine, which is neutral and non-polar, at codon 457 of the IFNAR1 protein (p.Ala457Val). This variant is present in population databases (rs200796146, gnomAD 0.007%). This variant has not been reported in the literature in individuals affected with IFNAR1-related conditions. ClinVar contains an entry for this variant (Variation ID: 2142353). An algorithm developed to predict the effect of missense changes on protein structure and function outputs the following: PolyPhen-2: "Benign". The valine amino acid residue is found in multiple mammalian species, which suggests that this missense change does not adversely affect protein function. In summary, the available evidence is currently insufficient to determine the role of this variant in disease. Therefore, it has been classified as a Variant of Uncertain Significance.

Ambry Genetics
Classification: Likely benign. Last evaluated: 2022-08-08. Review status: criteria provided, single submitter. Criteria: Ambry Variant Classification Scheme 2023. Collection method: clinical testing. Allele origin: germline.